The following is an entry in ClinVar:

ClinVar aggregate classification (germline): Uncertain significance. Review status: criteria provided, multiple submitters, no conflicts (2 of 4 stars). 2 submissions from 2 submitters: Uncertain significance (2). Last evaluated 2024-10-25.

Conditions:
Inborn genetic diseases. Identifiers: MedGen C0950123, MeSH D030342.

Allele frequency attached by ClinVar (database versions not stated): gnomAD exomes 0.00001.
gnomAD v4.1: 4 of 1,546,468 alleles (0.00026%); highest among the groups gnomAD compares: Non-Finnish European, 0.00026%; no homozygotes.

Submissions (2):

Labcorp Genetics (formerly Invitae), Labcorp
Classification: Uncertain significance. Last evaluated: 2024-10-25. Review status: criteria provided, single submitter. Criteria: Invitae Variant Classification Sherloc (09022015). Collection method: clinical testing. Allele origin: germline.
Comment: This sequence change replaces tyrosine, which is neutral and polar, with serine, which is neutral and polar, at codon 48 of the P3H2 protein (p.Tyr48Ser). This variant is present in population databases (no rsID available, gnomAD 0.002%). This variant has not been reported in the literature in individuals affected with P3H2-related conditions. ClinVar contains an entry for this variant (Variation ID: 1055698). Invitae Evidence Modeling of protein sequence and biophysical properties (such as structural, functional, and spatial information, amino acid conservation, physicochemical variation, residue mobility, and thermodynamic stability) indicates that this missense variant is not expected to disrupt P3H2 protein function with a negative predictive value of 80%. In summary, the available evidence is currently insufficient to determine the role of this variant in disease. Therefore, it has been classified as a Variant of Uncertain Significance.

Ambry Genetics
Classification: Uncertain significance for Inborn genetic diseases. Last evaluated: 2024-10-12. Review status: criteria provided, single submitter. Criteria: Ambry Variant Classification Scheme 2023. Collection method: clinical testing. Allele origin: germline.

NM_018192.4(P3H2):c.143A>C (p.Tyr48Ser)

Gene: P3H2 (prolyl 3-hydroxylase 2; minus strand). Cytogenetic location: 3q28.
Variant type: single nucleotide variant.
Coding change: c.143A>C on transcript NM_018192.4 (MANE Select); coding-DNA position 143, A replaced by C.
Protein change: p.Tyr48Ser; replaces tyrosine 48 with serine.
Molecular consequence: missense variant. On other transcripts: intron variant (1).
Genome position (GRCh38, 1-based): chr3:190,120,589, T>G on the plus strand (A>C on the coding strand, the complement: P3H2 is on the minus strand). VCF-style: chr3-190120589-T-G. GRCh37 (hg19) VCF-style: chr3-189838378-T-G.
Other names: c.143A>C (NM_018192.3); c.-64+1614A>C (NM_001134418.2); short protein forms Y48S.
Identifiers: ClinVar variation 1055698 (VCV001055698.6), dbSNP rs1430348686, ClinGen allele CA355860083.